The following is an entry in ClinVar:

NM_001130823.3(DNMT1):c.2288A>T (p.Tyr763Phe)

Gene: DNMT1 (DNA methyltransferase 1; minus strand). Cytogenetic location: 19p13.2.
Variant type: single nucleotide variant.
Coding change: c.2288A>T on transcript NM_001130823.3 (MANE Select); coding-DNA position 2288, A replaced by T.
Protein change: p.Tyr763Phe; replaces tyrosine 763 with phenylalanine.
Molecular consequence: missense variant.
Genome position (GRCh38, 1-based): chr19:10,149,946, T>A on the plus strand (A>T on the coding strand, the complement: DNMT1 is on the minus strand). VCF-style: chr19-10149946-T-A. GRCh37 (hg19) VCF-style: chr19-10260622-T-A.
Other names: c.2240A>T, p.Tyr747Phe (NM_001318730.2, NM_001379.4); c.1925A>T, p.Tyr642Phe (NM_001318731.2); short protein forms Y763F, Y642F, Y747F.
Identifiers: ClinVar variation 970412 (VCV000970412.9), dbSNP rs2038302856, ClinGen allele CA403929915.

ClinVar aggregate classification (germline): Uncertain significance (1 of 4 stars; one submission).

Conditions:
Hereditary sensory neuropathy-deafness-dementia syndrome. Also called: NEUROPATHY, HEREDITARY SENSORY, WITH HEARING LOSS AND DEMENTIA; Hereditary sensory neuropathy type IE; Hereditary Sensory and Autonomic Neuropathy Type 1E (HSAN1E); HSN IE. Identifiers: Orphanet 456318, MedGen C3279885, MONDO:0013584, OMIM 614116.

Submission:

Labcorp Genetics (formerly Invitae), Labcorp
Classification: Uncertain significance for Hereditary sensory neuropathy-deafness-dementia syndrome. Last evaluated: 2019-11-03. Review status: criteria provided, single submitter. Criteria: Invitae Variant Classification Sherloc (09022015). Collection method: clinical testing. Allele origin: germline.
Comment: Algorithms developed to predict the effect of missense changes on protein structure and function output the following: SIFT: "Deleterious"; PolyPhen-2: "Benign"; Align-GVGD: "Class C0". The phenylalanine amino acid residue is found in multiple mammalian species, suggesting that this missense change does not adversely affect protein function. These predictions have not been confirmed by published functional studies and their clinical significance is uncertain. This variant is not present in population databases (ExAC no frequency). This variant has not been reported in the literature in individuals with DNMT1-related conditions. In summary, the available evidence is currently insufficient to determine the role of this variant in disease. Therefore, it has been classified as a Variant of Uncertain Significance. This sequence change replaces tyrosine with phenylalanine at codon 763 of the DNMT1 protein (p.Tyr763Phe). The tyrosine residue is highly conserved and there is a small physicochemical difference between tyrosine and phenylalanine.